The following is an entry in ClinVar:

NC_000003.12:g.169764646G>A

Gene: TERC (telomerase RNA component; minus strand). Cytogenetic location: 3q26.2.
Variant type: single nucleotide variant.
Genome position: GRCh38 VCF-style: chr3-169764646-G-A. GRCh37 (hg19) VCF-style: chr3-169482434-G-A.
Identifiers: ClinVar variation 410644 (VCV000410644.8), dbSNP rs762726864, ClinGen allele CA2696785.

ClinVar aggregate classification (germline): Uncertain significance (1 of 4 stars; one submission).

Conditions:
Dyskeratosis congenita, autosomal dominant 1 (DKCA1). Also called: Dyskeratosis congenita Scoggins type. Identifiers: Orphanet 1775, MedGen C4551974, MONDO:0007485, OMIM 127550. Inheritance: Variable.

Allele frequency attached by ClinVar (database versions not stated): gnomAD exomes below 0.00001 and 0.00001; ExAC 0.00001; gnomAD 0.00001; TOPMed 0.00001.
gnomAD v4.1: 5 of 744,304 alleles (0.00067%); highest among the groups gnomAD compares: Non-Finnish European, 0.00099%; no homozygotes.

Submission:

Labcorp Genetics (formerly Invitae), Labcorp
Classification: Uncertain significance for Dyskeratosis congenita, autosomal dominant 1. Last evaluated: 2024-07-22. Review status: criteria provided, single submitter. Criteria: Invitae Variant Classification Sherloc (09022015). Collection method: clinical testing. Allele origin: germline.
Comment: This variant occurs in the TERC gene, which encodes an RNA molecule that does not result in a protein product. This variant is present in population databases (rs762726864, gnomAD 0.002%). This variant has not been reported in the literature in individuals affected with TERC-related conditions. ClinVar contains an entry for this variant (Variation ID: 410644). This variant is located within the BoxH/ACA scaRNA domain of the TERC RNA component, which is required for telomerase activity (PMID: 21844345). In summary, the available evidence is currently insufficient to determine the role of this variant in disease. Therefore, it has been classified as a Variant of Uncertain Significance.

Literature cited by the submitters: PubMed 21844345.